The following is an entry in ClinVar:

NM_001034850.3(RETREG1):c.1397T>C (p.Ile466Thr)

Gene: RETREG1 (reticulophagy regulator 1; minus strand). Cytogenetic location: 5p15.1.
Variant type: single nucleotide variant.
Coding change: c.1397T>C on transcript NM_001034850.3 (MANE Select); coding-DNA position 1397, T replaced by C.
Protein change: p.Ile466Thr; replaces isoleucine 466 with threonine.
Molecular consequence: missense variant.
Genome position (GRCh38, 1-based): chr5:16,474,838, A>G on the plus strand (T>C on the coding strand, the complement: RETREG1 is on the minus strand). VCF-style: chr5-16474838-A-G. GRCh37 (hg19) VCF-style: chr5-16474947-A-G.
Other names: c.974T>C, p.Ile325Thr (NM_019000.5); short protein forms I325T, I466T.
Identifiers: ClinVar variation 1800224 (VCV001800224.2), dbSNP rs1738455536, ClinGen allele CA359255638.

ClinVar aggregate classification (germline): Uncertain significance (1 of 4 stars; one submission).

Conditions:
Inborn genetic diseases. Identifiers: MedGen C0950123, MeSH D030342.

Submission:

Ambry Genetics
Classification: Uncertain significance for Inborn genetic diseases. Last evaluated: 2020-03-25. Review status: criteria provided, single submitter. Criteria: Ambry Variant Classification Scheme 2023. Collection method: clinical testing. Allele origin: germline.
Comment: The p.I466T variant (also known as c.1397T>C), located in coding exon 9 of the FAM134B gene, results from a T to C substitution at nucleotide position 1397. The isoleucine at codon 466 is replaced by threonine, an amino acid with similar properties. This amino acid position is not well conserved in available vertebrate species. In addition, this alteration is predicted to be tolerated by in silico analysis. Since supporting evidence is limited at this time, the clinical significance of this alteration remains unclear.